The following is an entry in ClinVar:

ClinVar aggregate classification (germline): Uncertain significance (1 of 4 stars; one submission).

Submission:

GeneDx
Classification: Uncertain significance. Last evaluated: 2023-12-29. Review status: criteria provided, single submitter. Criteria: GeneDx Variant Classification Process June 2021. Collection method: clinical testing. Allele origin: germline. Affected: yes.
Comment: Not observed at significant frequency in large population cohorts (gnomAD); In silico analysis supports that this missense variant has a deleterious effect on protein structure/function; Has not been previously published as pathogenic or benign to our knowledge

NM_001112.4(ADARB1):c.1847C>A (p.Thr616Asn)

Gene: ADARB1 (adenosine deaminase RNA specific B1; plus strand). Cytogenetic location: 21q22.3.
Variant type: single nucleotide variant.
Coding change: c.1847C>A on transcript NM_001112.4 (MANE Select); coding-DNA position 1847, C replaced by A.
Protein change: p.Thr616Asn; replaces threonine 616 with asparagine.
Molecular consequence: missense variant. On other transcripts: non-coding transcript variant (5).
Genome position (GRCh38, 1-based): chr21:45,220,935, C>A. VCF-style: chr21-45220935-C-A. GRCh37 (hg19) VCF-style: chr21-46640850-C-A.
Other names: c.1847C>A, p.Thr616Asn (NM_001160230.2, NM_001346688.2); c.2114C>A, p.Thr705Asn (NM_001346687.2); c.1994C>A, p.Thr665Asn (NM_001410722.1); c.1967C>A, p.Thr656Asn (NM_015833.4, NM_015834.4); short protein forms T616N, T656N, T665N, T705N.
Identifiers: ClinVar variation 3340382 (VCV003340382.1).